The following is an entry in ClinVar:

ClinVar aggregate classification (germline): Pathogenic/Likely pathogenic. Review status: criteria provided, multiple submitters, no conflicts (2 of 4 stars). 2 submissions from 2 submitters: Pathogenic (1); Likely pathogenic (1). Last evaluated 2024-06-17.

Conditions:
Short stature, facial dysmorphism, and skeletal anomalies with or without cardiac anomalies 1. Identifiers: MedGen C5542952, MONDO:0100297, OMIM 617877.

Submissions (2):

Labcorp Genetics (formerly Invitae), Labcorp
Classification: Pathogenic. Last evaluated: 2024-06-17. Review status: criteria provided, single submitter. Criteria: Invitae Variant Classification Sherloc (09022015). Collection method: clinical testing. Allele origin: germline.
Comment: This sequence change creates a premature translational stop signal (p.Ser92*) in the BMP2 gene. It is expected to result in an absent or disrupted protein product. Loss-of-function variants in BMP2 are known to be pathogenic (PMID: 29198724). This variant is not present in population databases (gnomAD no frequency). This variant has not been reported in the literature in individuals affected with BMP2-related conditions. ClinVar contains an entry for this variant (Variation ID: 2431356). For these reasons, this variant has been classified as Pathogenic.

Laboratorio de Genetica e Diagnostico Molecular, Hospital Israelita Albert Einstein
Classification: Likely pathogenic for Short stature, facial dysmorphism, and skeletal anomalies with or without cardiac anomalies 1. Last evaluated: 2022-11-18. Review status: criteria provided, single submitter. Criteria: ACMG Guidelines, 2015. Collection method: clinical testing. Allele origin: germline. Affected: yes. Observed: 1 variant allele.
Comment: ACMG classification criteria: PVS1 very strong, PM2 moderated

Literature cited by the submitters: PubMed 29198724 (cited by Labcorp Genetics (formerly Invitae), Labcorp).

NM_001200.4(BMP2):c.275C>A (p.Ser92Ter)

Gene: BMP2 (bone morphogenetic protein 2; plus strand). Cytogenetic location: 20p12.3.
Variant type: single nucleotide variant.
Coding change: c.275C>A on transcript NM_001200.4 (MANE Select); coding-DNA position 275, C replaced by A.
Protein change: p.Ser92Ter; replaces serine 92 with a stop codon.
Molecular consequence: nonsense.
Genome position (GRCh38, 1-based): chr20:6,770,401, C>A. VCF-style: chr20-6770401-C-A. GRCh37 (hg19) VCF-style: chr20-6751048-C-A.
Other names: short protein forms S92*.
Identifiers: ClinVar variation 2431356 (VCV002431356.3), dbSNP rs886043711, ClinGen allele CA408260594.